The following is an entry in ClinVar:

ClinVar aggregate classification (germline): Conflicting classifications of pathogenicity. Review status: criteria provided, conflicting classifications (1 of 4 stars). 2 submissions from 2 submitters: Uncertain significance (1); Likely benign (1). Last evaluated 2026-02-05.

Conditions:
MHC class I deficiency. Identifiers: Orphanet 34592, MedGen C6024714, MONDO:0011476.

Allele frequency attached by ClinVar (database versions not stated): gnomAD exomes 0.00009 and 0.00003; 1000 Genomes Project 30x 0.00031; gnomAD 0.00021 and 0.00022; 1000 Genomes Project 0.00020; ESP Exome Variant Server 0.00047; ExAC 0.00011; TOPMed 0.00029.
gnomAD v4.1: 75 of 1,612,976 alleles (0.0046%); highest among the groups gnomAD compares: African/African-American, 0.072%; no homozygotes.

Submissions (2):

Women's Health and Genetics/Laboratory Corporation of America, LabCorp
Classification: Likely benign. Last evaluated: 2026-02-05. Review status: criteria provided, single submitter. Criteria: LabCorp Variant Classification Summary - May 2015. Collection method: clinical testing. Allele origin: germline.
Comment: Variant summary: TAP1 c.746A>G (p.Tyr249Cys) results in a non-conservative amino acid change in the encoded protein sequence. Algorithms developed to predict the effect of missense changes on protein structure and function all suggest that this variant is likely to be disruptive. The variant allele was found at a frequency of 9.3e-05 in 246752 control chromosomes, predominantly at a frequency of 0.0012 within the African or African-American subpopulation in the gnomAD database. The observed variant frequency within African or African-American control individuals in the gnomAD database exceeds the estimated maximal expected allele frequency for disease-causing variants in TAP1. To our knowledge, no occurrence of c.746A>G in individuals affected with TAP1-related conditions and no experimental evidence demonstrating its impact on protein function have been reported. ClinVar contains an entry for this variant (Variation ID: 1060163). Based on the evidence outlined above, the variant was classified as likely benign.

Labcorp Genetics (formerly Invitae), Labcorp
Classification: Uncertain significance for MHC class I deficiency 1. Last evaluated: 2025-02-24. Review status: criteria provided, single submitter. Criteria: Invitae Variant Classification Sherloc (09022015). Collection method: clinical testing. Allele origin: germline.
Comment: This sequence change replaces tyrosine, which is neutral and polar, with cysteine, which is neutral and slightly polar, at codon 309 of the TAP1 protein (p.Tyr309Cys). This variant is present in population databases (rs143185338, gnomAD 0.1%). This variant has not been reported in the literature in individuals affected with TAP1-related conditions. ClinVar contains an entry for this variant (Variation ID: 1060163). An algorithm developed to predict the effect of missense changes on protein structure and function (PolyPhen-2) suggests that this variant is likely to be disruptive. In summary, the available evidence is currently insufficient to determine the role of this variant in disease. Therefore, it has been classified as a Variant of Uncertain Significance.

NM_000593.6(TAP1):c.746A>G (p.Tyr249Cys)

Gene: TAP1 (transporter 1, ATP binding cassette subfamily B member; minus strand). Cytogenetic location: 6p21.32.
Variant type: single nucleotide variant.
Coding change: c.746A>G on transcript NM_000593.6 (MANE Select); coding-DNA position 746, A replaced by G.
Protein change: p.Tyr249Cys; replaces tyrosine 249 with cysteine.
Molecular consequence: missense variant.
Genome position (GRCh38, 1-based): chr6:32,852,207, T>C on the plus strand (A>G on the coding strand, the complement: TAP1 is on the minus strand). VCF-style: chr6-32852207-T-C. GRCh37 (hg19) VCF-style: chr6-32819984-T-C.
Other names: c.143A>G, p.Tyr48Cys (NM_001292022.2); short protein forms Y249C, Y48C.
Identifiers: ClinVar variation 1060163 (VCV001060163.7), dbSNP rs143185338, ClinGen allele CA3746937.